The following is an entry in ClinVar:

ClinVar aggregate classification (germline): Uncertain significance (1 of 4 stars; one submission).

Conditions:
Catecholaminergic polymorphic ventricular tachycardia 1. Also called: VENTRICULAR TACHYCARDIA, STRESS-INDUCED POLYMORPHIC 1; RYR2-Related Catecholaminergic Polymorphic Ventricular Tachycardia; VENTRICULAR TACHYCARDIA, CATECHOLAMINERGIC POLYMORPHIC, 1, WITH OR WITHOUT ATRIAL DYSFUNCTION AND/OR DILATED CARDIOMYOPATHY. Identifiers: Orphanet 3286, MedGen C1631597, MONDO:0011484, OMIM 604772.

gnomAD v4.1: 1 of 1,611,374 alleles (0.000062%); highest among the groups gnomAD compares: Non-Finnish European, 0.000085%; no homozygotes.

Submission:

Labcorp Genetics (formerly Invitae), Labcorp
Classification: Uncertain significance for Catecholaminergic polymorphic ventricular tachycardia 1. Last evaluated: 2025-10-02. Review status: criteria provided, single submitter. Criteria: Invitae Variant Classification Sherloc (09022015). Collection method: clinical testing. Allele origin: germline.
Comment: This sequence change replaces aspartic acid, which is acidic and polar, with tyrosine, which is neutral and polar, at codon 1981 of the RYR2 protein (p.Asp1981Tyr). This variant is not present in population databases (gnomAD no frequency). This variant has not been reported in the literature in individuals affected with RYR2-related conditions. Invitae Evidence Modeling of protein sequence and biophysical properties (such as structural, functional, and spatial information, amino acid conservation, physicochemical variation, residue mobility, and thermodynamic stability) indicates that this missense variant is not expected to disrupt RYR2 protein function with a negative predictive value of 95%. In summary, the available evidence is currently insufficient to determine the role of this variant in disease. Therefore, it has been classified as a Variant of Uncertain Significance.

NM_001035.3(RYR2):c.5941G>T (p.Asp1981Tyr)

Gene: RYR2 (ryanodine receptor 2; plus strand). Cytogenetic location: 1q43.
Variant type: single nucleotide variant.
Coding change: c.5941G>T on transcript NM_001035.3 (MANE Select); coding-DNA position 5941, G replaced by T.
Protein change: p.Asp1981Tyr; replaces aspartic acid 1981 with tyrosine.
Molecular consequence: missense variant.
Genome position (GRCh38, 1-based): chr1:237,623,789, G>T. VCF-style: chr1-237623789-G-T. GRCh37 (hg19) VCF-style: chr1-237787089-G-T.
Other names: short protein forms D1981Y.
Identifiers: ClinVar variation 4800077 (VCV004800077.1).